The following is an entry in ClinVar:

ClinVar aggregate classification (germline): Likely pathogenic (1 of 4 stars; one submission).

Conditions:
Anemia, nonspherocytic hemolytic, due to G6PD deficiency (CNSHA1). Also called: Hemolytic anemia due to G6PD deficiency; Class I glucose-6-phosphate dehydrogenase deficiency; Favism, susceptibility to; ANEMIA, CONGENITAL, NONSPHEROCYTIC HEMOLYTIC, 1. Identifiers: Orphanet 466026, MedGen C2720289, MONDO:0010480, OMIM 300908.

Submission:

Dunham Lab, University of Washington
Classification: Likely pathogenic for Anemia, nonspherocytic hemolytic, due to G6PD deficiency. Last evaluated: 2022-08-12. Review status: criteria provided, single submitter. Criteria: Bayesian ACMG Guidelines, 2018. Collection method: curation. Allele origin: inherited. Affected: yes.
Comment: Undetectable activity in red blood cells of hemizygote and decreased activity in heterozygote (33%) (PS3). Not observed in gnomAD (PM2). Post_P 0.975 (odds of pathogenicity 350.3, Prior_P 0.1).

Literature cited by the submitters: PubMed 18066402.

NM_001360016.2(G6PD):c.573C>G (p.Phe191Leu)

Gene: G6PD (glucose-6-phosphate dehydrogenase; minus strand). Cytogenetic location: Xq28.
Variant type: single nucleotide variant.
Coding change: c.573C>G on transcript NM_001360016.2 (MANE Select); coding-DNA position 573, C replaced by G.
Protein change: p.Phe191Leu; replaces phenylalanine 191 with leucine.
Molecular consequence: missense variant.
Genome position (GRCh38, 1-based): chrX:154,534,409, G>C on the plus strand (C>G on the coding strand, the complement: G6PD is on the minus strand). VCF-style: chrX-154534409-G-C. GRCh37 (hg19) VCF-style: chrX-153762624-G-C.
Other names: G6PD Pedoplis-Ckaro; c.663C>G, p.Phe221Leu (NM_000402.4); c.573C>G, p.Phe191Leu (NM_001042351.3); short protein forms F191L, F221L.
Identifiers: ClinVar variation 1722740 (VCV001722740.2), dbSNP rs782170731, ClinGen allele CA415237923.
Genomic context (GRCh38, chrX:154,534,409, plus strand): 5'-GAGGTTCTGCACCATCTCCTTGCCCAGGTAGTGGTCGATGCGGTAGATCTGGTCCTCACG[G>C]AACAGGGAGGAGATGTGGTTGGACAGCCGGTCAGAGCTCTGCAGGTCCCTCCCGAAGGGC-3'
Protein context (NP_001346945.1, residues 181-201): DRLSNHISSL[Phe191Leu]REDQIYRIDH